The following is an entry in ClinVar:

NM_138691.3(TMC1):c.*26G>C

Gene: TMC1 (transmembrane channel like 1; plus strand). Cytogenetic location: 9q21.13.
Variant type: single nucleotide variant.
Coding change: c.*26G>C on transcript NM_138691.3 (MANE Select); 26 bases downstream of the stop codon, G replaced by C.
Molecular consequence: 3 prime UTR variant.
Genome position (GRCh38, 1-based): chr9:72,835,999, G>C. VCF-style: chr9-72835999-G-C. GRCh37 (hg19) VCF-style: chr9-75450915-G-C.
Identifiers: ClinVar variation 913198 (VCV000913198.4), dbSNP rs191962062, ClinGen allele CA5082282.

ClinVar aggregate classification (germline): Conflicting classifications of pathogenicity. Review status: criteria provided, conflicting classifications (1 of 4 stars). 2 submissions from 1 submitter: Uncertain significance (1); Likely benign (1). Last evaluated 2018-01-13.

Conditions:
Autosomal recessive nonsyndromic hearing loss 7. Also called: DEAFNESS, AUTOSOMAL RECESSIVE 11. Identifiers: Orphanet 90636, MedGen C1832978, MONDO:0010967, OMIM 600974.
Autosomal dominant nonsyndromic hearing loss 36. Identifiers: Orphanet 90635, MedGen C1847626, MONDO:0011708, OMIM 606705.

Allele frequency attached by ClinVar (database versions not stated): gnomAD 0.00003 and 0.00005; TOPMed 0.00006; gnomAD exomes 0.00013; ExAC 0.00017; 1000 Genomes Project 30x 0.00031; 1000 Genomes Project 0.00040.
gnomAD v4.1: 267 of 1,590,344 alleles (0.017%); highest among the groups gnomAD compares: East Asian, 0.59%; 1 homozygote.

Submissions (2):

Illumina Laboratory Services, Illumina
Classification: Uncertain significance for Autosomal recessive nonsyndromic hearing loss 7. Last evaluated: 2018-01-13. Review status: criteria provided, single submitter. Criteria: ICSL Variant Classification Criteria 13 December 2019. Collection method: clinical testing. Allele origin: germline.

Illumina Laboratory Services, Illumina
Classification: Likely benign for Autosomal dominant nonsyndromic hearing loss 36. Last evaluated: 2018-01-13. Review status: criteria provided, single submitter. Criteria: ICSL Variant Classification Criteria 13 December 2019. Collection method: clinical testing. Allele origin: germline.
Comment: This variant was observed in the ICSL laboratory as part of a predisposition screen in an ostensibly healthy population. It had not been previously curated by ICSL or reported in the Human Gene Mutation Database (HGMD: prior to June 1st, 2018), and was therefore a candidate for classification through an automated scoring system. Utilizing variant allele frequency, disease prevalence and penetrance estimates, and inheritance mode, an automated score was calculated to assess if this variant is too frequent to cause the disease. Based on the score and internal cut-off values, a variant classified as likely benign is not then subjected to further curation. The score for this variant resulted in a classification of likely benign for this disease.